The following is an entry in ClinVar:

ClinVar aggregate classification (germline): Uncertain significance. Review status: criteria provided, multiple submitters, no conflicts (2 of 4 stars). 3 submissions from 3 submitters: Uncertain significance (2). 1 of the submissions does not count toward it. Last evaluated 2025-04-23.

Conditions:
Autosomal recessive limb-girdle muscular dystrophy type 2A (LGMDR1). Also called: Calpainopathy; MUSCULAR DYSTROPHY, PELVOFEMORAL; Limb-girdle muscular dystrophy, type 2A; Muscular dystrophy, limb-girdle, type 2A, Amish; LEYDEN-MOEBIUS MUSCULAR DYSTROPHY. Identifiers: Orphanet 267, MedGen C1869123, MONDO:0009675, OMIM 253600. Disease mechanism: loss of function.

Allele frequency attached by ClinVar (database versions not stated): gnomAD exomes 0.00001 and 0.00002; ExAC 0.00004; gnomAD 0.00013 and 0.00015; ESP Exome Variant Server 0.00015; TOPMed 0.00018.
gnomAD v4.1: 31 of 1,613,242 alleles (0.0019%); highest among the groups gnomAD compares: African/African-American, 0.04%; no homozygotes.

Submissions (3):

Labcorp Genetics (formerly Invitae), Labcorp
Classification: Uncertain significance for Autosomal recessive limb-girdle muscular dystrophy type 2A. Last evaluated: 2025-04-23. Review status: criteria provided, single submitter. Criteria: Invitae Variant Classification Sherloc (09022015). Collection method: clinical testing. Allele origin: germline.
Comment: This sequence change replaces isoleucine, which is neutral and non-polar, with threonine, which is neutral and polar, at codon 317 of the CAPN3 protein (p.Ile317Thr). This variant is present in population databases (rs371362494, gnomAD 0.06%). This variant has not been reported in the literature in individuals affected with CAPN3-related conditions. ClinVar contains an entry for this variant (Variation ID: 289092). Invitae Evidence Modeling of protein sequence and biophysical properties (such as structural, functional, and spatial information, amino acid conservation, physicochemical variation, residue mobility, and thermodynamic stability) has been performed for this missense variant. However, the output from this modeling did not meet the statistical confidence thresholds required to predict the impact of this variant on CAPN3 protein function. In summary, the available evidence is currently insufficient to determine the role of this variant in disease. Therefore, it has been classified as a Variant of Uncertain Significance.

Eurofins Ntd Llc (ga)
Classification: Uncertain significance. Last evaluated: 2016-07-08. Review status: criteria provided, single submitter. Criteria: EGL Classification Definitions 2015. Collection method: clinical testing. Allele origin: germline. Observed: 1 variant allele, 1 heterozygote.

Natera, Inc.
Classification: Uncertain significance for Limb-girdle muscular dystrophy type 2A. Last evaluated: 2020-04-17. Review status: no assertion criteria provided. Collection method: clinical testing. Allele origin: germline. Not counted in ClinVar's aggregate classification.

NM_000070.3(CAPN3):c.950T>C (p.Ile317Thr)

Gene: CAPN3 (calpain 3; plus strand). Cytogenetic location: 15q15.1.
Variant type: single nucleotide variant.
Coding change: c.950T>C on transcript NM_000070.3 (MANE Select); coding-DNA position 950, T replaced by C.
Protein change: p.Ile317Thr; replaces isoleucine 317 with threonine.
Molecular consequence: missense variant.
Genome position (GRCh38, 1-based): chr15:42,392,643, T>C. VCF-style: chr15-42392643-T-C. GRCh37 (hg19) VCF-style: chr15-42684841-T-C.
Other names: c.950T>C, p.Ile317Thr (NM_024344.2); c.806T>C, p.Ile269Thr (NM_173087.2); short protein forms I317T, I269T.
Identifiers: ClinVar variation 289092 (VCV000289092.9), dbSNP rs371362494, ClinGen allele CA7511200.
Genomic context (GRCh38, chr15:42,392,643, plus strand): 5'-GCAGCAGAACTTCTGTTCCCCCGCCCCTAATGGGTTCTCTGGTTACTGCTCTACAGACAA[T>C]CATTCCGGTTCAGTATGAGACAAGAATGGCCTGCGGGCTGGTCAGAGGTCACGCCTACTC-3'
Protein context (NP_000061.1, residues 307-327): RGSDERPTRT[Ile317Thr]IPVQYETRMA